The following is an entry in ClinVar:

NM_006892.4(DNMT3B):c.1079C>T (p.Ser360Leu)

Gene: DNMT3B (DNA methyltransferase 3 beta; plus strand). Cytogenetic location: 20q11.21.
Variant type: single nucleotide variant.
Coding change: c.1079C>T on transcript NM_006892.4 (MANE Select); coding-DNA position 1079, C replaced by T.
Protein change: p.Ser360Leu; replaces serine 360 with leucine.
Molecular consequence: missense variant. On other transcripts: intron variant (5).
Genome position (GRCh38, 1-based): chr20:32,793,548, C>T. VCF-style: chr20-32793548-C-T. GRCh37 (hg19) VCF-style: chr20-31381354-C-T.
Other names: c.1066+778C>T (NM_175848.2, NM_175849.2); c.940+778C>T (NM_001207055.2); c.838+778C>T (NM_001207056.2); c.1102+778C>T (NM_175850.3); short protein forms S360L.
Identifiers: ClinVar variation 1347151 (VCV001347151.5), dbSNP rs766544393, ClinGen allele CA9810407.

ClinVar aggregate classification (germline): Uncertain significance (1 of 4 stars; one submission).

Conditions:
Centromeric instability of chromosomes 1,9 and 16 and immunodeficiency (ICF1). Also called: CENTROMERIC INSTABILITY, IMMUNODEFICIENCY SYNDROME; Immunodeficiency-centromeric instability-facial anomalies; IMMUNE DEFICIENCY, VARIABLE, WITH CENTROMERIC INSTABILITY OF CHROMOSOMES 1, 9, AND 16; IMMUNODEFICIENCY SYNDROME, VARIABLE. Identifiers: Orphanet 2268, MedGen C0398788, MONDO:0000133.

Allele frequency attached by ClinVar (database versions not stated): ExAC 0.00002; gnomAD exomes 0.00002 and 0.00008; gnomAD 0.00003 and 0.00004; TOPMed 0.00004.
gnomAD v4.1: 115 of 1,614,032 alleles (0.0071%); highest among the groups gnomAD compares: Non-Finnish European, 0.009%; no homozygotes.

Submission:

Labcorp Genetics (formerly Invitae), Labcorp
Classification: Uncertain significance for Centromeric instability of chromosomes 1,9 and 16 and immunodeficiency. Last evaluated: 2022-01-03. Review status: criteria provided, single submitter. Criteria: Invitae Variant Classification Sherloc (09022015). Collection method: clinical testing. Allele origin: germline.
Comment: This sequence change replaces serine, which is neutral and polar, with leucine, which is neutral and non-polar, at codon 360 of the DNMT3B protein (p.Ser360Leu). This variant is present in population databases (rs766544393, gnomAD 0.006%). This variant has not been reported in the literature in individuals affected with DNMT3B-related conditions. Algorithms developed to predict the effect of missense changes on protein structure and function (SIFT, PolyPhen-2, Align-GVGD) all suggest that this variant is likely to be tolerated. In summary, the available evidence is currently insufficient to determine the role of this variant in disease. Therefore, it has been classified as a Variant of Uncertain Significance.